The following is an entry in ClinVar:

ClinVar aggregate classification (germline): Pathogenic (1 of 4 stars; one submission).

Conditions:
Spastic paraplegia-severe developmental delay-epilepsy syndrome. Also called: Spastic paraplegia and psychomotor retardation with or without seizures. Identifiers: Orphanet 464282, MedGen C4225215, MONDO:0014764, OMIM 616756.

Submission:

Genetics Laboratory, UDIAT-Centre Diagnòstic, Hospital Universitari Parc Tauli
Classification: Pathogenic for Spastic paraplegia-severe developmental delay-epilepsy syndrome. Last evaluated: 2022-10-04. Review status: criteria provided, single submitter. Criteria: Parc Tauli Hospital Assertion Criteria 2021. Collection method: clinical testing. Allele origin: paternal. Inheritance: Autosomal recessive inheritance. Affected: yes.
Comment: PVS1;PM2_supporting;PM3

NM_020771.4(HACE1):c.152C>G (p.Ser51Ter)

Gene: HACE1 (HECT domain and ankyrin repeat containing E3 ubiquitin protein ligase 1; minus strand). Cytogenetic location: 6q16.3.
Variant type: single nucleotide variant.
Coding change: c.152C>G on transcript NM_020771.4 (MANE Select); coding-DNA position 152, C replaced by G.
Protein change: p.Ser51Ter; replaces serine 51 with a stop codon.
Molecular consequence: nonsense. On other transcripts: 5 prime UTR variant (6), non-coding transcript variant (7).
Genome position (GRCh38, 1-based): chr6:104,850,976, G>C on the plus strand (C>G on the coding strand, the complement: HACE1 is on the minus strand). VCF-style: chr6-104850976-G-C. GRCh37 (hg19) VCF-style: chr6-105298851-G-C.
Other names: c.152C>G, p.Ser51Ter (NM_001321080.2, NM_001350555.2); c.50C>G, p.Ser17Ter (NM_001321083.2, NM_001350554.2); c.-270C>G (NM_001321084.2, NM_001350558.2); c.-259C>G (NM_001350556.2); c.-194C>G (NM_001350557.2); c.-216C>G (NM_001350559.2); c.-424C>G (NM_001350560.2); short protein forms S17*, S51*.
Identifiers: ClinVar variation 1708240 (VCV001708240.2), dbSNP rs2484021103, ClinGen allele CA365137779.
Genomic context (GRCh38, chr6:104,850,976, plus strand): 5'-ATGTGAAGCAAGCTTCTTTTCACACGTCCGAATGCATAATTGACATCAAATTTTGAATTT[G>C]ATAGTAGTTCAGAAACAGACCTATGCCAAAATAAAAATGAGGAATCAAGTGTAAAAAAAG-3'